The following is an entry in ClinVar:

NM_001440.4(EXTL3):c.2305G>A (p.Val769Met)

Gene: EXTL3 (exostosin like glycosyltransferase 3; plus strand). Cytogenetic location: 8p21.1.
Variant type: single nucleotide variant.
Coding change: c.2305G>A on transcript NM_001440.4 (MANE Select); coding-DNA position 2305, G replaced by A.
Protein change: p.Val769Met; replaces valine 769 with methionine.
Molecular consequence: missense variant. On other transcripts: non-coding transcript variant (1).
Genome position (GRCh38, 1-based): chr8:28,737,547, G>A. VCF-style: chr8-28737547-G-A. GRCh37 (hg19) VCF-style: chr8-28595064-G-A.
Other names: short protein forms V769M.
Identifiers: ClinVar variation 2761596 (VCV002761596.3), dbSNP rs769361447, ClinGen allele CA4696401.

ClinVar aggregate classification (germline): Uncertain significance (1 of 4 stars; one submission).

Submission:

Labcorp Genetics (formerly Invitae), Labcorp
Classification: Uncertain significance. Last evaluated: 2023-09-19. Review status: criteria provided, single submitter. Criteria: Invitae Variant Classification Sherloc (09022015). Collection method: clinical testing. Allele origin: germline.
Comment: In summary, the available evidence is currently insufficient to determine the role of this variant in disease. Therefore, it has been classified as a Variant of Uncertain Significance. Advanced modeling of protein sequence and biophysical properties (such as structural, functional, and spatial information, amino acid conservation, physicochemical variation, residue mobility, and thermodynamic stability) has been performed at Invitae for this missense variant, however the output from this modeling did not meet the statistical confidence thresholds required to predict the impact of this variant on EXTL3 protein function. This variant has not been reported in the literature in individuals affected with EXTL3-related conditions. This variant is present in population databases (rs769361447, gnomAD 0.0009%). This sequence change replaces valine, which is neutral and non-polar, with methionine, which is neutral and non-polar, at codon 769 of the EXTL3 protein (p.Val769Met).